The following is an entry in ClinVar:

ClinVar aggregate classification (germline): Uncertain significance (1 of 4 stars; one submission).

Conditions:
Kabuki syndrome. Also called: NIIKAWA-KUROKI SYNDROME; Kabuki make-up syndrome. Identifiers: Orphanet 2322, MedGen C0796004, MONDO:0016512.

gnomAD v4.1: 1 of 1,613,542 alleles (0.000062%); highest among the groups gnomAD compares: Non-Finnish European, 0.000085%; no homozygotes.

Submission:

Labcorp Genetics (formerly Invitae), Labcorp
Classification: Uncertain significance for Kabuki syndrome. Last evaluated: 2024-07-19. Review status: criteria provided, single submitter. Criteria: Invitae Variant Classification Sherloc (09022015). Collection method: clinical testing. Allele origin: germline.
Comment: This sequence change replaces alanine, which is neutral and non-polar, with serine, which is neutral and polar, at codon 4452 of the KMT2D protein (p.Ala4452Ser). This variant is not present in population databases (gnomAD no frequency). This variant has not been reported in the literature in individuals affected with KMT2D-related conditions. Advanced modeling of protein sequence and biophysical properties (such as structural, functional, and spatial information, amino acid conservation, physicochemical variation, residue mobility, and thermodynamic stability) performed at Invitae indicates that this missense variant is not expected to disrupt KMT2D protein function with a negative predictive value of 95%. In summary, the available evidence is currently insufficient to determine the role of this variant in disease. Therefore, it has been classified as a Variant of Uncertain Significance.

NM_003482.4(KMT2D):c.13354G>T (p.Ala4452Ser)

Gene: KMT2D (lysine methyltransferase 2D; minus strand). Cytogenetic location: 12q13.12.
Variant type: single nucleotide variant.
Coding change: c.13354G>T on transcript NM_003482.4 (MANE Select); coding-DNA position 13354, G replaced by T.
Protein change: p.Ala4452Ser; replaces alanine 4452 with serine.
Molecular consequence: missense variant.
Genome position (GRCh38, 1-based): chr12:49,031,351, C>A on the plus strand (G>T on the coding strand, the complement: KMT2D is on the minus strand). VCF-style: chr12-49031351-C-A. GRCh37 (hg19) VCF-style: chr12-49425134-C-A.
Other names: short protein forms A4452S.
Identifiers: ClinVar variation 3635103 (VCV003635103.2).
Genomic context (GRCh38, chr12:49,031,351, plus strand): 5'-CATTCTTTGCCCGGAGTAGCTTCTGCAAGAGCAGATGCCCAGCTTCTGAGCGAGGGCCTG[C>A]CAGCAGGAGGTGGTTGCTGGTTCCTGGTGCCCCTATTGGCTCCCCATTGGCCTCCCTCTT-3'
Protein context (NP_003473.3, residues 4442-4462): APGTSNHLLL[Ala4452Ser]GPRSEAGHLL